The following is an entry in ClinVar:

NM_001105206.3(LAMA4):c.2339C>T (p.Ser780Phe)

Gene: LAMA4 (laminin subunit alpha 4; minus strand). Cytogenetic location: 6q21.
Variant type: single nucleotide variant.
Coding change: c.2339C>T on transcript NM_001105206.3 (MANE Select); coding-DNA position 2339, C replaced by T.
Protein change: p.Ser780Phe; replaces serine 780 with phenylalanine.
Molecular consequence: missense variant.
Genome position (GRCh38, 1-based): chr6:112,148,171, G>A on the plus strand (C>T on the coding strand, the complement: LAMA4 is on the minus strand). VCF-style: chr6-112148171-G-A. GRCh37 (hg19) VCF-style: chr6-112469373-G-A.
Other names: c.2318C>T, p.Ser773Phe (NM_001105207.3, NM_002290.5); short protein forms S773F, S780F.
Identifiers: ClinVar variation 2708717 (VCV002708717.3), dbSNP rs2547044098, ClinGen allele CA365383425.

ClinVar aggregate classification (germline): Uncertain significance (1 of 4 stars; one submission).

Conditions:
Dilated cardiomyopathy 1JJ (CMD1JJ). Identifiers: Orphanet 154, MedGen C3808935, MONDO:0014095, OMIM 615235.

Submission:

Labcorp Genetics (formerly Invitae), Labcorp
Classification: Uncertain significance for Dilated cardiomyopathy 1JJ. Last evaluated: 2024-01-10. Review status: criteria provided, single submitter. Criteria: Invitae Variant Classification Sherloc (09022015). Collection method: clinical testing. Allele origin: germline.
Comment: This sequence change replaces serine, which is neutral and polar, with phenylalanine, which is neutral and non-polar, at codon 773 of the LAMA4 protein (p.Ser773Phe). This variant is not present in population databases (gnomAD no frequency). This variant has not been reported in the literature in individuals affected with LAMA4-related conditions. Algorithms developed to predict the effect of missense changes on protein structure and function output the following: SIFT: "Not Available"; PolyPhen-2: "Benign"; Align-GVGD: "Not Available". The phenylalanine amino acid residue is found in multiple mammalian species, which suggests that this missense change does not adversely affect protein function. In summary, the available evidence is currently insufficient to determine the role of this variant in disease. Therefore, it has been classified as a Variant of Uncertain Significance.